The following is an entry in ClinVar:

NM_004279.3(PMPCB):c.1440dup (p.Arg481fs)

Gene: PMPCB (peptidase, mitochondrial processing subunit beta; plus strand). Cytogenetic location: 7q22.1.
Variant type: Duplication.
Coding change: c.1440dup on transcript NM_004279.3 (MANE Select); coding-DNA position 1440, one base duplicated (A; older notation c.1440dupA).
Protein change: p.Arg481fs; shifts the reading frame from arginine 481.
Molecular consequence: frameshift variant. On other transcripts: 3 prime UTR variant (1).
Genome position (GRCh38, 1-based): chr7:103,312,241, A duplicated. VCF-style (leftmost placement, unchanged base first): chr7-103312240-T-TA. GRCh37 (hg19) VCF-style: chr7-102952687-T-TA.
Other names: c.*42dup (NM_001438231.1); c.1440dupA (NM_004279.3); short protein forms R481fs.
Identifiers: ClinVar variation 4886879 (VCV004886879.1).

ClinVar aggregate classification (germline): Likely pathogenic (1 of 4 stars; one submission).

Conditions:
Multiple mitochondrial dysfunctions syndrome 6. Identifiers: Orphanet 569290, MedGen C4693741, MONDO:0054785, OMIM 617954.

Submission:

Genetics Laboratory, Department of Biology, Semnan University
Classification: Likely pathogenic for Multiple mitochondrial dysfunctions syndrome 6. Last evaluated: 2021-07-29. Review status: criteria provided, single submitter. Criteria: ACMG Guidelines, 2015. Collection method: research. Allele origin: germline. Inheritance: Autosomal recessive inheritance. Affected: no. Observed: 1 variant allele, 1 heterozygote.
Comment: The identified variant leads to the duplication of Nucleotide A at position 1440 of PMPCB gene CDS leading to frameshift of coding sequence. Hence, this substitution could alter the amino acid sequence and could leads to a decreased or loss of function of mutated protein.

Literature cited by the submitters: DOI 10.1016/j.ajhg.2018.02.014.